The following is an entry in ClinVar:

NM_000238.4(KCNH2):c.2525T>C (p.Leu842Pro)

Gene: KCNH2 (potassium voltage-gated channel subfamily H member 2; minus strand). Cytogenetic location: 7q36.1.
Variant type: single nucleotide variant.
Coding change: c.2525T>C on transcript NM_000238.4 (MANE Select); coding-DNA position 2525, T replaced by C.
Protein change: p.Leu842Pro; replaces leucine 842 with proline.
Molecular consequence: missense variant.
Genome position (GRCh38, 1-based): chr7:150,948,923, A>G on the plus strand (T>C on the coding strand, the complement: KCNH2 is on the minus strand). VCF-style: chr7-150948923-A-G. GRCh37 (hg19) VCF-style: chr7-150646011-A-G.
Other names: c.1505T>C, p.Leu502Pro (NM_172057.3); short protein forms L502P, L842P.
Identifiers: ClinVar variation 519212 (VCV000519212.12), dbSNP rs1554424818, ClinGen allele CA369854948.

ClinVar aggregate classification (germline): Uncertain significance. Review status: criteria provided, multiple submitters, no conflicts (2 of 4 stars). 3 submissions from 3 submitters: Uncertain significance (3). Last evaluated 2025-01-10.

Conditions:
Cardiovascular phenotype. Identifiers: MedGen CN230736.
Long QT syndrome (LQTS). Identifiers: MedGen C0023976, MeSH D008133, MONDO:0002442. Disease mechanism: loss of function. Inheritance: Various modes of inheritance.

Submissions (3):

Women's Health and Genetics/Laboratory Corporation of America, LabCorp
Classification: Uncertain significance. Last evaluated: 2025-01-10. Review status: criteria provided, single submitter. Criteria: LabCorp Variant Classification Summary - May 2015. Collection method: clinical testing. Allele origin: germline.

Labcorp Genetics (formerly Invitae), Labcorp
Classification: Uncertain significance for Long QT syndrome. Last evaluated: 2024-06-24. Review status: criteria provided, single submitter. Criteria: Invitae Variant Classification Sherloc (09022015). Collection method: clinical testing. Allele origin: germline.
Comment: This sequence change replaces leucine, which is neutral and non-polar, with proline, which is neutral and non-polar, at codon 842 of the KCNH2 protein (p.Leu842Pro). This variant is not present in population databases (gnomAD no frequency). This variant has not been reported in the literature in individuals affected with KCNH2-related conditions. ClinVar contains an entry for this variant (Variation ID: 519212). An algorithm developed to predict the effect of missense changes on protein structure and function (PolyPhen-2) suggests that this variant is likely to be disruptive. In summary, the available evidence is currently insufficient to determine the role of this variant in disease. Therefore, it has been classified as a Variant of Uncertain Significance.

Ambry Genetics
Classification: Uncertain significance for Cardiovascular phenotype. Last evaluated: 2017-06-22. Review status: criteria provided, single submitter. Criteria: Ambry Variant Classification Scheme 2023. Collection method: clinical testing. Allele origin: germline.
Comment: The p.L842P variant (also known as c.2525T>C), located in coding exon 10 of the KCNH2 gene, results from a T to C substitution at nucleotide position 2525. The leucine at codon 842 is replaced by proline, an amino acid with similar properties, and is located in the cAMP binding domain. Internal structural analysis indicates this alteration may disrupt the cAMP ligand binding domain (Wang W. Cell. 2017 Apr;169(3):422-430.e10). This amino acid position is highly conserved in available vertebrate species. In addition, this alteration is predicted to be deleterious by in silico analysis. Since supporting evidence is limited at this time, the clinical significance of this alteration remains unclear.

Literature cited by the submitters: PubMed 28431243 (cited by Ambry Genetics).